The following is an entry in ClinVar:

ClinVar aggregate classification (germline): Uncertain significance (1 of 4 stars; one submission).

Conditions:
HNF4A-related disorder. Also called: HNF4A-related condition.

gnomAD v4.1: 35 of 1,365,858 alleles (0.0026%); highest among the groups gnomAD compares: Admixed American, 0.021%; no homozygotes.

Submission:

PreventionGenetics, part of Exact Sciences
Classification: Uncertain significance for HNF4A-related condition. Last evaluated: 2025-06-26. Review status: criteria provided, single submitter. Criteria: ACMG Guidelines, 2015. Collection method: clinical testing. Allele origin: germline.
Comment: The HNF4A c.35G>A variant is predicted to result in the amino acid substitution p.Arg12Lys. To our knowledge, this variant has not been reported in the literature. This variant is reported in 0.023% of alleles in individuals of Latino descent in gnomAD. Although we suspect that this variant may be benign, at this time, the clinical significance of this variant is uncertain due to the absence of conclusive functional and genetic evidence.

NM_175914.5(HNF4A):c.50-3473G>A

Gene: HNF4A (hepatocyte nuclear factor 4 alpha; plus strand). Cytogenetic location: 20q13.12.
Variant type: single nucleotide variant.
Coding change: c.50-3473G>A on transcript NM_175914.5 (MANE Select); 3473 bases into the intron before coding-DNA position 50, G replaced by A.
Molecular consequence: intron variant. On other transcripts: missense variant (1).
Genome position (GRCh38, 1-based): chr20:44,402,585, G>A. VCF-style: chr20-44402585-G-A. GRCh37 (hg19) VCF-style: chr20-43031225-G-A.
Other names: c.35G>A, p.Arg12Lys (NM_001258355.2); c.41-3473G>A (NM_001287182.2, NM_001287183.2, NM_001287184.2); c.50-3473G>A (NM_001030003.3, NM_001030004.3); c.115+1098G>A (NM_178849.3, NM_000457.6, NM_178850.3); short protein forms R12K.
Identifiers: ClinVar variation 4990285 (VCV004990285.1).